The following is an entry in ClinVar:

NM_002103.5(GYS1):c.1201G>A (p.Gly401Arg)

Gene: GYS1 (glycogen synthase 1; minus strand). Cytogenetic location: 19q13.33.
Variant type: single nucleotide variant.
Coding change: c.1201G>A on transcript NM_002103.5 (MANE Select); coding-DNA position 1201, G replaced by A.
Protein change: p.Gly401Arg; replaces glycine 401 with arginine.
Molecular consequence: missense variant. On other transcripts: non-coding transcript variant (1).
Genome position (GRCh38, 1-based): chr19:48,978,126, C>T on the plus strand (G>A on the coding strand, the complement: GYS1 is on the minus strand). VCF-style: chr19-48978126-C-T. GRCh37 (hg19) VCF-style: chr19-49481383-C-T.
Other names: c.1009G>A, p.Gly337Arg (NM_001161587.2); short protein forms G401R, G337R.
Identifiers: ClinVar variation 2146782 (VCV002146782.4), dbSNP rs780447178, ClinGen allele CA9563048.

ClinVar aggregate classification (germline): Uncertain significance (1 of 4 stars; one submission).

Conditions:
Glycogen storage disease due to muscle and heart glycogen synthase deficiency. Also called: GSD 0b; MUSCLE GLYCOGEN SYNTHASE DEFICIENCY. Identifiers: Orphanet 137625, MedGen C1969054, MONDO:0012693, OMIM 611556.

Allele frequency attached by ClinVar (database versions not stated): gnomAD exomes 0.00001; TOPMed 0.00001; gnomAD 0.00003; ExAC 0.00005.
gnomAD v4.1: 22 of 1,614,108 alleles (0.0014%); highest among the groups gnomAD compares: East Asian, 0.0045%; no homozygotes.

Submission:

Labcorp Genetics (formerly Invitae), Labcorp
Classification: Uncertain significance for Glycogen storage disease due to muscle and heart glycogen synthase deficiency. Last evaluated: 2022-04-25. Review status: criteria provided, single submitter. Criteria: Invitae Variant Classification Sherloc (09022015). Collection method: clinical testing. Allele origin: germline.
Comment: In summary, the available evidence is currently insufficient to determine the role of this variant in disease. Therefore, it has been classified as a Variant of Uncertain Significance. Algorithms developed to predict the effect of missense changes on protein structure and function are either unavailable or do not agree on the potential impact of this missense change (SIFT: "Deleterious"; PolyPhen-2: "Probably Damaging"; Align-GVGD: "Class C15"). This variant has not been reported in the literature in individuals affected with GYS1-related conditions. This variant is present in population databases (rs780447178, gnomAD 0.02%). This sequence change replaces glycine, which is neutral and non-polar, with arginine, which is basic and polar, at codon 401 of the GYS1 protein (p.Gly401Arg).